The following is an entry in ClinVar:

ClinVar aggregate classification (germline): Pathogenic. Review status: criteria provided, multiple submitters, no conflicts (2 of 4 stars). 2 submissions from 2 submitters: Pathogenic (2). Last evaluated 2025-10-09.

Conditions:
Neurofibromatosis, type 1 (NF1). Also called: VON RECKLINGHAUSEN DISEASE; Peripheral type neurofibromatosis; Neurofibromatosis, type I; NEUROFIBROMATOSIS, TYPE I, SOMATIC. Identifiers: Orphanet 636, MedGen C0027831, MONDO:0018975, OMIM 162200. Disease mechanism: loss of function.

Submissions (2):

Labcorp Genetics (formerly Invitae), Labcorp
Classification: Pathogenic for Neurofibromatosis, type 1. Last evaluated: 2025-10-09. Review status: criteria provided, single submitter. Criteria: Invitae Variant Classification Sherloc (09022015). Collection method: clinical testing. Allele origin: germline.
Comment: This sequence change creates a premature translational stop signal (p.Lys1611Serfs*11) in the NF1 gene. It is expected to result in an absent or disrupted protein product. Loss-of-function variants in NF1 are known to be pathogenic (PMID: 10712197, 23913538). This variant is not present in population databases (gnomAD no frequency). This variant has not been reported in the literature in individuals affected with NF1-related conditions. ClinVar contains an entry for this variant (Variation ID: 4084834). For these reasons, this variant has been classified as Pathogenic.

CeGaT Center for Human Genetics Tuebingen
Classification: Pathogenic. Last evaluated: 2025-08-01. Review status: criteria provided, single submitter. Criteria: CeGaT Center For Human Genetics Tuebingen Variant Classification Criteria Version 2. Collection method: clinical testing. Allele origin: germline. Affected: yes. Observed: 1 variant allele.
Comment: NF1: PVS1, PM2

Literature cited by the submitters: PubMed 10712197 (cited by Labcorp Genetics (formerly Invitae), Labcorp); PubMed 23913538 (cited by Labcorp Genetics (formerly Invitae), Labcorp).

NM_001042492.3(NF1):c.4895del (p.Lys1632fs)

Gene: NF1 (neurofibromin 1; plus strand). Cytogenetic location: 17q11.2.
Variant type: Deletion.
Coding change: c.4895del on transcript NM_001042492.3 (MANE Select); coding-DNA position 4895, one base deleted (A; older notation c.4895delA).
Protein change: p.Lys1632fs; shifts the reading frame from lysine 1632.
Molecular consequence: frameshift variant.
Genome position (GRCh38, 1-based): chr17:31,325,879, A deleted; the last of 3 consecutive A bases (chr17:31,325,877-31,325,879); deleting any one gives the same sequence. VCF-style (leftmost placement, unchanged base first): chr17-31325876-TA-T. GRCh37 (hg19) VCF-style: chr17-29652894-TA-T.
Other names: c.4832del, p.Lys1611fs (NM_000267.4); short protein forms K1611fs, K1632fs.
Identifiers: ClinVar variation 4084834 (VCV004084834.9).
Genomic context (GRCh38, chr17:31,325,876, plus strand): 5'-TTAGGTTCAAAACTGGTCAAATCAATGGTGATTTGCTGATATACCATGTCTTACTGACTT[TA>T]AAGCCATATTATGCAAAGCCATATGAAATTGTAGTGGACCTTACCCATACCGGGCCTAGC-3'